The following is an entry in ClinVar:

NM_004655.4(AXIN2):c.1575C>T (p.Pro525=)

Gene: AXIN2 (axin 2; minus strand). Cytogenetic location: 17q24.1.
Variant type: single nucleotide variant.
Coding change: c.1575C>T on transcript NM_004655.4 (MANE Select); coding-DNA position 1575, C replaced by T.
Protein change: p.Pro525=; no amino-acid change (proline 525 retained).
Molecular consequence: synonymous variant.
Genome position (GRCh38, 1-based): chr17:65,537,461, G>A on the plus strand (C>T on the coding strand, the complement: AXIN2 is on the minus strand). VCF-style: chr17-65537461-G-A. GRCh37 (hg19) VCF-style: chr17-63533579-G-A.
Other names: c.1575C>T, p.Pro525= (NM_001363813.1).
Identifiers: ClinVar variation 819573 (VCV000819573.14), dbSNP rs1598098758, ClinGen allele CA501691246.

ClinVar aggregate classification (germline): Benign/Likely benign. Review status: criteria provided, multiple submitters, no conflicts (2 of 4 stars). 3 submissions from 3 submitters: Benign (1); Likely benign (2). Last evaluated 2026-01-19.

Conditions:
Hereditary cancer-predisposing syndrome. Also called: Neoplastic Syndromes, Hereditary; Tumor predisposition; Hereditary Cancer Syndrome; Hereditary neoplastic syndrome. Identifiers: Orphanet 140162, MedGen C0027672, MeSH D009386, MONDO:0015356.
Oligodontia-cancer predisposition syndrome. Also called: TOOTH AGENESIS-COLORECTAL CANCER SYNDROME. Identifiers: Orphanet 300576, MedGen C1837750, MONDO:0012075, OMIM 608615. Disease mechanism: loss of function.

Submissions (3):

Labcorp Genetics (formerly Invitae), Labcorp
Classification: Likely benign for Oligodontia-cancer predisposition syndrome. Last evaluated: 2026-01-19. Review status: criteria provided, single submitter. Criteria: Invitae Variant Classification Sherloc (09022015). Collection method: clinical testing. Allele origin: germline.

Myriad Genetics, Inc.
Classification: Benign for Oligodontia-cancer predisposition syndrome. Last evaluated: 2024-07-03. Review status: criteria provided, single submitter. Criteria: Myriad Autosomal Dominant, Autosomal Recessive and X-Linked Classification Criteria (2023). Collection method: clinical testing. Allele origin: unknown.
Comment: This variant is considered benign. This variant is a silent/synonymous amino acid change and it is not expected to impact splicing.

Ambry Genetics
Classification: Likely benign for Hereditary cancer-predisposing syndrome. Last evaluated: 2019-02-20. Review status: criteria provided, single submitter. Criteria: Ambry Variant Classification Scheme 2023. Collection method: clinical testing. Allele origin: germline.